The following is an entry in ClinVar:

NM_004447.6(EPS8):c.449C>T (p.Ala150Val)

Gene: EPS8 (EGFR pathway substrate 8, signaling adaptor; minus strand). Cytogenetic location: 12p12.3.
Variant type: single nucleotide variant.
Coding change: c.449C>T on transcript NM_004447.6 (MANE Select); coding-DNA position 449, C replaced by T.
Protein change: p.Ala150Val; replaces alanine 150 with valine.
Molecular consequence: missense variant.
Genome position (GRCh38, 1-based): chr12:15,669,454, G>A on the plus strand (C>T on the coding strand, the complement: EPS8 is on the minus strand). VCF-style: chr12-15669454-G-A. GRCh37 (hg19) VCF-style: chr12-15822388-G-A.
Other names: short protein forms A150V.
Identifiers: ClinVar variation 1301461 (VCV001301461.6), dbSNP rs769820275, ClinGen allele CA6467867.

ClinVar aggregate classification (germline): Uncertain significance. Review status: criteria provided, multiple submitters, no conflicts (2 of 4 stars). 3 submissions from 3 submitters: Uncertain significance (3). Last evaluated 2025-08-10.

Conditions:
Inborn genetic diseases. Identifiers: MedGen C0950123, MeSH D030342.
Autosomal recessive nonsyndromic hearing loss 102. Also called: Deafness, autosomal recessive 102. Identifiers: Orphanet 90636, MedGen C3892050, MONDO:0014428, OMIM 615974.

Allele frequency attached by ClinVar (database versions not stated): gnomAD 0.00001; ExAC 0.00002; TOPMed 0.00002; gnomAD exomes 0.00003 and 0.00005.
gnomAD v4.1: 20 of 1,613,910 alleles (0.0012%); highest among the groups gnomAD compares: Admixed American, 0.03%; no homozygotes.

Submissions (3):

Ambry Genetics
Classification: Uncertain significance for Inborn genetic diseases. Last evaluated: 2025-08-10. Review status: criteria provided, single submitter. Criteria: Ambry Variant Classification Scheme 2023. Collection method: clinical testing. Allele origin: germline.

GeneDx
Classification: Uncertain significance. Last evaluated: 2023-10-11. Review status: criteria provided, single submitter. Criteria: GeneDx Variant Classification Process June 2021. Collection method: clinical testing. Allele origin: germline. Affected: yes.
Comment: In silico analysis supports that this missense variant does not alter protein structure/function; Has not been previously published as pathogenic or benign to our knowledge

Fulgent Genetics
Classification: Uncertain significance for Autosomal recessive nonsyndromic hearing loss 102. Last evaluated: 2021-07-26. Review status: criteria provided, single submitter. Criteria: ACMG Guidelines, 2015. Collection method: clinical testing. Allele origin: unknown.